The following is an entry in ClinVar:

NM_004531.5(MOCS2):c.560A>G (p.Asn187Ser)

Gene: MOCS2 (molybdenum cofactor synthesis 2; minus strand). Cytogenetic location: 5q11.2.
Variant type: single nucleotide variant.
Coding change: c.560A>G on transcript NM_004531.5 (MANE Select); coding-DNA position 560, A replaced by G.
Protein change: p.Asn187Ser; replaces asparagine 187 with serine.
Molecular consequence: missense variant. On other transcripts: 3 prime UTR variant (1).
Genome position (GRCh38, 1-based): chr5:53,098,609, T>C on the plus strand (A>G on the coding strand, the complement: MOCS2 is on the minus strand). VCF-style: chr5-53098609-T-C. GRCh37 (hg19) VCF-style: chr5-52394439-T-C.
Other names: c.560A>G (NM_004531.4); c.*480A>G (NM_176806.4); short protein forms N187S.
Identifiers: ClinVar variation 1169214 (VCV001169214.33), dbSNP rs2233221, ClinGen allele CA3263577.

ClinVar aggregate classification (germline): Benign/Likely benign. Review status: criteria provided, multiple submitters, no conflicts (2 of 4 stars). 4 submissions from 4 submitters: Benign (2); Likely benign (1). 1 of the submissions does not count toward it. Last evaluated 2026-02-02.

Conditions:
MOCS2-related disorder. Also called: MOCS2-related condition.

Allele frequency attached by ClinVar (database versions not stated): gnomAD exomes 0.00029 and 0.00090; ExAC 0.00115; gnomAD 0.00325 and 0.00349; TOPMed 0.00371; ESP Exome Variant Server 0.00415; 1000 Genomes Project 0.00459; 1000 Genomes Project 30x 0.00515.
gnomAD v4.1: 945 of 1,613,458 alleles (0.059%); highest among the groups gnomAD compares: African/African-American, 1%; 6 homozygotes.

Submissions (4):

Labcorp Genetics (formerly Invitae), Labcorp
Classification: Benign. Last evaluated: 2026-02-02. Review status: criteria provided, single submitter. Criteria: Invitae Variant Classification Sherloc (09022015). Collection method: clinical testing. Allele origin: germline.

Blueprint Genetics
Classification: Likely benign. Last evaluated: 2024-10-18. Review status: criteria provided, single submitter. Criteria: ACMG Guidelines, 2015. Collection method: clinical testing. Allele origin: germline.

CeGaT Center for Human Genetics Tuebingen
Classification: Benign. Last evaluated: 2023-12-01. Review status: criteria provided, single submitter. Criteria: CeGaT Center For Human Genetics Tuebingen Variant Classification Criteria Version 2. Collection method: clinical testing. Allele origin: germline. Affected: yes. Observed: 1 variant allele.
Comment: MOCS2: BP4, BS1, BS2

PreventionGenetics, part of Exact Sciences
Classification: Benign for MOCS2-related condition. Last evaluated: 2019-05-03. Review status: no assertion criteria provided. Collection method: clinical testing. Allele origin: germline. Not counted in ClinVar's aggregate classification.
Comment: This variant is classified as benign based on ACMG/AMP sequence variant interpretation guidelines (Richards et al. 2015 PMID: 25741868, with internal and published modifications).